The following is an entry in ClinVar:

ClinVar aggregate classification (germline): Pathogenic. Review status: criteria provided, multiple submitters, no conflicts (2 of 4 stars). 2 submissions from 2 submitters: Pathogenic (2). Last evaluated 2025-05-13.

Conditions:
Familial thoracic aortic aneurysm and aortic dissection (TAAD). Also called: Thoracic aortic aneurysms and dissections. Identifiers: Orphanet 91387, MedGen C4707243, MONDO:0019625.

Submissions (2):

GeneDx
Classification: Pathogenic. Last evaluated: 2025-05-13. Review status: criteria provided, single submitter. Criteria: GeneDx Variant Classification Process June 2021. Collection method: clinical testing. Allele origin: germline.
Comment: Identified in individuals with TAAD in published literature (PMID: 30739908, 30661052); Not observed at significant frequency in large population cohorts (gnomAD); Frameshift variant predicted to result in protein truncation or nonsense mediated decay in a gene for which loss of function is a known mechanism of disease; This variant is associated with the following publications: (PMID: 30739908, 30661052)

Labcorp Genetics (formerly Invitae), Labcorp
Classification: Pathogenic for Familial thoracic aortic aneurysm and aortic dissection. Last evaluated: 2023-07-16. Review status: criteria provided, single submitter. Criteria: Invitae Variant Classification Sherloc (09022015). Collection method: clinical testing. Allele origin: germline.
Comment: For these reasons, this variant has been classified as Pathogenic. ClinVar contains an entry for this variant (Variation ID: 857614). This premature translational stop signal has been observed in individual(s) with clinical features of SMAD3-related disease (PMID: 30661052). This variant is present in population databases (no rsID available, gnomAD 0.001%). This sequence change creates a premature translational stop signal (p.Gly183Trpfs*5) in the SMAD3 gene. It is expected to result in an absent or disrupted protein product. Loss-of-function variants in SMAD3 are known to be pathogenic (PMID: 21778426, 24804794).

Literature cited by the submitters: PubMed 30661052 (cited by Labcorp Genetics (formerly Invitae), Labcorp); PubMed 21778426 (cited by Labcorp Genetics (formerly Invitae), Labcorp); PubMed 24804794 (cited by Labcorp Genetics (formerly Invitae), Labcorp).

NM_005902.4(SMAD3):c.545dup (p.Gly183fs)

Gene: SMAD3 (SMAD family member 3; plus strand). Cytogenetic location: 15q22.33.
Variant type: Duplication.
Coding change: c.545dup on transcript NM_005902.4 (MANE Select); coding-DNA position 545, one base duplicated (C; older notation c.545dupC).
Protein change: p.Gly183fs; shifts the reading frame from glycine 183.
Molecular consequence: frameshift variant. On other transcripts: 5 prime UTR variant (1).
Genome position (GRCh38, 1-based): chr15:67,166,791, C duplicated; the last of 5 consecutive C bases (chr15:67,166,787-67,166,791); duplicating any one gives the same sequence. VCF-style (leftmost placement, unchanged base first): chr15-67166786-A-AC. GRCh37 (hg19) VCF-style: chr15-67459124-A-AC.
Other names: c.230dup, p.Gly78fs (NM_001145102.2); c.413dup, p.Gly139fs (NM_001145103.2); c.-41dup (NM_001145104.2); short protein forms G78fs, G139fs, G183fs.
Identifiers: ClinVar variation 857614 (VCV000857614.11), dbSNP rs1291288543, ClinGen allele CA618686817.